The following is an entry in ClinVar:

ClinVar aggregate classification (germline): Uncertain significance (1 of 4 stars; one submission).

gnomAD v4.1: 1 of 1,614,036 alleles (0.000062%); highest among the groups gnomAD compares: Admixed American, 0.0017%; no homozygotes.

Submission:

GeneDx
Classification: Uncertain significance. Last evaluated: 2024-12-03. Review status: criteria provided, single submitter. Criteria: GeneDx Variant Classification Process June 2021. Collection method: clinical testing. Allele origin: germline. Affected: yes.
Comment: Not observed at significant frequency in large population cohorts (gnomAD); In silico analysis supports that this missense variant has a deleterious effect on protein structure/function; Has not been previously published as pathogenic or benign to our knowledge

NM_000875.5(IGF1R):c.3707A>G (p.Asn1236Ser)

Gene: IGF1R (insulin like growth factor 1 receptor; plus strand). Cytogenetic location: 15q26.3.
Variant type: single nucleotide variant.
Coding change: c.3707A>G on transcript NM_000875.5 (MANE Select); coding-DNA position 3707, A replaced by G.
Protein change: p.Asn1236Ser; replaces asparagine 1236 with serine.
Molecular consequence: missense variant.
Genome position (GRCh38, 1-based): chr15:98,948,693, A>G. VCF-style: chr15-98948693-A-G. GRCh37 (hg19) VCF-style: chr15-99491922-A-G.
Other names: c.3704A>G, p.Asn1235Ser (NM_001291858.2); short protein forms N1235S, N1236S.
Identifiers: ClinVar variation 3901679 (VCV003901679.1).